The following is an entry in ClinVar:

ClinVar aggregate classification (germline): Uncertain significance. Review status: criteria provided, multiple submitters, no conflicts (2 of 4 stars). 2 submissions from 2 submitters: Uncertain significance (2). Last evaluated 2025-12-23.

Conditions:
Hereditary cancer-predisposing syndrome. Also called: Hereditary neoplastic syndrome; Neoplastic Syndromes, Hereditary; Tumor predisposition; Hereditary Cancer Syndrome. Identifiers: Orphanet 140162, MedGen C0027672, MeSH D009386, MONDO:0015356.
Ataxia-telangiectasia syndrome (AT). Also called: LOUIS-BAR SYNDROME; Cerebello-oculocutaneous telangiectasia; Immunodeficiency with ataxia telangiectasia; AT, COMPLEMENTATION GROUP C; Ataxia-telangiectasia, complementation group D; ATAXIA-TELANGIECTASIA, COMPLEMENTATION GROUP A. Identifiers: Orphanet 100, MedGen C0004135, MONDO:0008840, OMIM 208900.

Allele frequency attached by ClinVar (database versions not stated): gnomAD exomes below 0.00001; ExAC 0.00001.
gnomAD v4.1: 1 of 1,613,656 alleles (0.000062%); highest among the groups gnomAD compares: South Asian, 0.0011%; no homozygotes.

Submissions (2):

Labcorp Genetics (formerly Invitae), Labcorp
Classification: Uncertain significance for Ataxia-telangiectasia syndrome. Last evaluated: 2025-12-23. Review status: criteria provided, single submitter. Criteria: Invitae Variant Classification Sherloc (09022015). Collection method: clinical testing. Allele origin: germline.
Comment: This sequence change replaces leucine, which is neutral and non-polar, with phenylalanine, which is neutral and non-polar, at codon 1449 of the ATM protein (p.Leu1449Phe). This variant is present in population databases (rs764787081, gnomAD 0.003%). This variant has not been reported in the literature in individuals affected with ATM-related conditions. ClinVar contains an entry for this variant (Variation ID: 481300). Invitae Evidence Modeling of protein sequence and biophysical properties (such as structural, functional, and spatial information, amino acid conservation, physicochemical variation, residue mobility, and thermodynamic stability) indicates that this missense variant is not expected to disrupt ATM protein function with a negative predictive value of 95%. In summary, the available evidence is currently insufficient to determine the role of this variant in disease. Therefore, it has been classified as a Variant of Uncertain Significance.

Ambry Genetics
Classification: Uncertain significance for Hereditary cancer-predisposing syndrome. Last evaluated: 2024-05-20. Review status: criteria provided, single submitter. Criteria: Ambry Variant Classification Scheme 2023. Collection method: clinical testing. Allele origin: germline.
Comment: The p.L1449F variant (also known as c.4347A>C), located in coding exon 28 of the ATM gene, results from an A to C substitution at nucleotide position 4347. The leucine at codon 1449 is replaced by phenylalanine, an amino acid with highly similar properties. This amino acid position is highly conserved in available vertebrate species. In addition, the in silico prediction for this alteration is inconclusive. Since supporting evidence is limited at this time, the clinical significance of this alteration remains unclear.

NM_000051.4(ATM):c.4347A>C (p.Leu1449Phe)

Gene: ATM (ATM serine/threonine kinase; plus strand). Cytogenetic location: 11q22.3.
Variant type: single nucleotide variant.
Coding change: c.4347A>C on transcript NM_000051.4 (MANE Select); coding-DNA position 4347, A replaced by C.
Protein change: p.Leu1449Phe; replaces leucine 1449 with phenylalanine.
Molecular consequence: missense variant.
Genome position (GRCh38, 1-based): chr11:108,289,712, A>C. VCF-style: chr11-108289712-A-C. GRCh37 (hg19) VCF-style: chr11-108160439-A-C.
Other names: c.4347A>C, p.Leu1449Phe (NM_001351834.2); short protein forms L1449F.
Identifiers: ClinVar variation 481300 (VCV000481300.15), dbSNP rs764787081, ClinGen allele CA6265438.
Genomic context (GRCh38, chr11:108,289,712, plus strand): 5'-AAATAATGTTTATAAGAAGCACAGAATTCTTAAAATATATCACCTGTTTGTTAGTTTATT[A>C]CTGAAAGATATAAAAAGTGGCTTAGGAGGAGCTTGGGCCTTTGTTCTTCGAGACGTTATT-3'
Protein context (NP_000042.3, residues 1439-1459): LKIYHLFVSL[Leu1449Phe]LKDIKSGLGG